The following is an entry in ClinVar:

ClinVar aggregate classification (germline): Uncertain significance. Review status: criteria provided, single submitter (1 of 4 stars). 2 submissions from 2 submitters: Uncertain significance (1). 1 of the submissions does not count toward it. Last evaluated 2021-12-29.

Conditions:
Fanconi anemia complementation group J. Also called: BRIP1-Related Fanconi Anemia. Identifiers: Orphanet 84, MedGen C1836860, MONDO:0012187, OMIM 609054.
Familial cancer of breast. Also called: hereditary breast carcinoma; Hereditary breast cancer; BREAST CANCER, FAMILIAL. Identifiers: Orphanet 227535, MedGen C0346153, MONDO:0016419, OMIM 114480. Disease mechanism: loss of function.
Malignant tumor of breast. Also called: Malignant breast neoplasm; Cancer breast. Identifiers: MedGen C0006142, MONDO:0007254. Disease mechanism: loss of function.

Submissions (2):

Labcorp Genetics (formerly Invitae), Labcorp
Classification: Uncertain significance for Familial cancer of breast; Fanconi anemia complementation group J. Last evaluated: 2021-12-29. Review status: criteria provided, single submitter. Criteria: Invitae Variant Classification Sherloc (09022015). Collection method: clinical testing. Allele origin: germline.
Comment: In summary, the available evidence is currently insufficient to determine the role of this variant in disease. Therefore, it has been classified as a Variant of Uncertain Significance. Algorithms developed to predict the effect of missense changes on protein structure and function (SIFT, PolyPhen-2, Align-GVGD) all suggest that this variant is likely to be tolerated. ClinVar contains an entry for this variant (Variation ID: 1050297). This variant has not been reported in the literature in individuals affected with BRIP1-related conditions. This variant is not present in population databases (gnomAD no frequency). This sequence change replaces phenylalanine, which is neutral and non-polar, with valine, which is neutral and non-polar, at codon 205 of the BRIP1 protein (p.Phe205Val).

Department of Pathology and Laboratory Medicine, Sinai Health System
Classification: Uncertain significance for Malignant tumor of breast. Review status: no assertion criteria provided. Collection method: clinical testing. Allele origin: unknown. Affected: yes. Study: The Canadian Open Genetics Repository (COGR). Not counted in ClinVar's aggregate classification.
Comment: The BRIP1 p.Phe205Val variant was not identified in the literature nor was it identified in dbSNP, ClinVar, Exome Aggregation Consortium (August 8th 2016), or the Genome Aggregation Database (Feb 27, 2017). The p.Phe205 residue is not conserved in mammals and computational analyses (PolyPhen-2, SIFT, AlignGVGD, BLOSUM, MutationTaster) do not suggest a high likelihood of impact to the protein; however, this information is not predictive enough to rule out pathogenicity. The variant occurs outside of the splicing consensus sequence and in silico or computational prediction software programs (SpliceSiteFinder, MaxEntScan, NNSPLICE, GeneSplicer) do not predict a difference in splicing. In summary, based on the above information, the clinical significance of this variant cannot be determined with certainty at this time. This variant is classified as a variant of uncertain significance.

NM_032043.3(BRIP1):c.613T>G (p.Phe205Val)

Gene: BRIP1 (BRCA1 interacting DNA helicase 1; minus strand). Cytogenetic location: 17q23.2.
Variant type: single nucleotide variant.
Coding change: c.613T>G on transcript NM_032043.3 (MANE Select); coding-DNA position 613, T replaced by G.
Protein change: p.Phe205Val; replaces phenylalanine 205 with valine.
Molecular consequence: missense variant.
Genome position (GRCh38, 1-based): chr17:61,847,115, A>C on the plus strand (T>G on the coding strand, the complement: BRIP1 is on the minus strand). VCF-style: chr17-61847115-A-C. GRCh37 (hg19) VCF-style: chr17-59924476-A-C.
Other names: short protein forms F205V.
Identifiers: ClinVar variation 1050297 (VCV001050297.7), dbSNP rs1603361561, ClinGen allele CA400482836.